The following is an entry in ClinVar:

NM_001270974.2(HYDIN):c.7885A>G (p.Met2629Val)

Gene: HYDIN (HYDIN axonemal central pair apparatus protein; minus strand). Cytogenetic location: 16q22.2.
Variant type: single nucleotide variant.
Coding change: c.7885A>G on transcript NM_001270974.2 (MANE Select); coding-DNA position 7885, A replaced by G.
Protein change: p.Met2629Val; replaces methionine 2629 with valine.
Molecular consequence: missense variant.
Genome position (GRCh38, 1-based): chr16:70,918,330, T>C on the plus strand (A>G on the coding strand, the complement: HYDIN is on the minus strand). VCF-style: chr16-70918330-T-C. GRCh37 (hg19) VCF-style: chr16-70952233-T-C.
Other names: short protein forms M2629V.
Identifiers: ClinVar variation 3388235 (VCV003388235.15).

ClinVar aggregate classification (germline): Benign/Likely benign. Review status: criteria provided, multiple submitters, no conflicts (2 of 4 stars). 2 submissions from 2 submitters: Benign (1); Likely benign (1). Last evaluated 2024-11-19.

Submissions (2):

Blueprint Genetics
Classification: Benign. Last evaluated: 2024-11-19. Review status: criteria provided, single submitter. Criteria: ACMG Guidelines, 2015. Collection method: clinical testing. Allele origin: germline.

CeGaT Center for Human Genetics Tuebingen
Classification: Likely benign. Last evaluated: 2024-11-01. Review status: criteria provided, single submitter. Criteria: CeGaT Center For Human Genetics Tuebingen Variant Classification Criteria Version 2. Collection method: clinical testing. Allele origin: germline. Affected: yes. Observed: 1 variant allele.
Comment: HYDIN: BP4